The following is an entry in ClinVar:

ClinVar aggregate classification (germline): Benign/Likely benign. Review status: criteria provided, multiple submitters, no conflicts (2 of 4 stars). 10 submissions from 10 submitters: Benign (5); Likely benign (5). Last evaluated 2026-03-01.

Conditions:
NSD1-related disorder. Also called: NSD1-related condition.
Sotos syndrome (SOTOS). Also called: CHROMOSOME 5q35 DELETION SYNDROME; CEREBRAL GIGANTISM; Sotos' syndrome; Distinctive facial appearance, overgrowth in childhood, and learning disabilities or delayed development; SOTOS SYNDROME 1. Identifiers: Orphanet 821, MedGen C0175695, MONDO:0019349, OMIM 117550.
Inborn genetic diseases. Identifiers: MedGen C0950123, MeSH D030342.

Allele frequency attached by ClinVar (database versions not stated): ExAC 0.00036; gnomAD 0.00040 and 0.00042; TOPMed 0.00041; gnomAD exomes 0.00045; ESP Exome Variant Server 0.00046.
gnomAD v4.1: 592 of 1,609,872 alleles (0.037%); highest among the groups gnomAD compares: Admixed American, 0.11%; no homozygotes.

Submissions (10):

CeGaT Center for Human Genetics Tuebingen
Classification: Likely benign. Last evaluated: 2026-03-01. Review status: criteria provided, single submitter. Criteria: CeGaT Center For Human Genetics Tuebingen Variant Classification Criteria Version 2. Collection method: clinical testing. Allele origin: germline. Affected: yes. Observed: 2 variant alleles.
Comment: NSD1: BP4, BS1

Labcorp Genetics (formerly Invitae), Labcorp
Classification: Benign. Last evaluated: 2025-12-16. Review status: criteria provided, single submitter. Criteria: Invitae Variant Classification Sherloc (09022015). Collection method: clinical testing. Allele origin: germline.

PreventionGenetics, part of Exact Sciences
Classification: Likely benign for NSD1-related condition. Last evaluated: 2025-12-15. Review status: criteria provided, single submitter. Criteria: ACMG Guidelines, 2015. Collection method: clinical testing. Allele origin: germline.
Comment: This variant is classified as likely benign based on ACMG/AMP sequence variant interpretation guidelines (Richards et al. 2015 PMID: 25741868, with internal and published modifications).

Blueprint Genetics
Classification: Benign. Last evaluated: 2024-10-31. Review status: criteria provided, single submitter. Criteria: ACMG Guidelines, 2015. Collection method: clinical testing. Allele origin: germline.

Fulgent Genetics
Classification: Likely benign for Sotos syndrome. Last evaluated: 2021-12-28. Review status: criteria provided, single submitter. Criteria: ACMG Guidelines, 2015. Collection method: clinical testing. Allele origin: unknown.

Genome-Nilou Lab
Classification: Benign for Sotos syndrome. Last evaluated: 2021-07-15. Review status: criteria provided, single submitter. Criteria: ACMG Guidelines, 2015. Collection method: clinical testing. Allele origin: germline. Affected: no.

GeneDx
Classification: Benign. Last evaluated: 2019-11-05. Review status: criteria provided, single submitter. Criteria: GeneDx Variant Classification Process June 2021. Collection method: clinical testing. Allele origin: germline. Affected: yes.
Comment: This variant is associated with the following publications: (PMID: 16247291)

Ambry Genetics
Classification: Likely benign for Inborn genetic diseases. Last evaluated: 2017-06-29. Review status: criteria provided, single submitter. Criteria: Ambry Variant Classification Scheme 2023. Collection method: clinical testing. Allele origin: germline.

Eurofins Ntd Llc (ga)
Classification: Likely benign. Last evaluated: 2016-12-05. Review status: criteria provided, single submitter. Criteria: EGL Classification Definitions 2015. Collection method: clinical testing. Allele origin: germline. Observed: 2 variant alleles, 2 heterozygotes.

Genetic Services Laboratory, University of Chicago
Classification: Benign. Last evaluated: 2013-02-08. Review status: criteria provided, single submitter. Criteria: ACMG Guidelines, 2007. Collection method: clinical testing. Allele origin: germline. Inheritance: Autosomal dominant inheritance.

NM_022455.5(NSD1):c.3564G>C (p.Arg1188Ser)

Gene: NSD1 (nuclear receptor binding SET domain protein 1; plus strand). Cytogenetic location: 5q35.3.
Variant type: single nucleotide variant.
Coding change: c.3564G>C on transcript NM_022455.5 (MANE Select); coding-DNA position 3564, G replaced by C.
Protein change: p.Arg1188Ser; replaces arginine 1188 with serine.
Molecular consequence: missense variant.
Genome position (GRCh38, 1-based): chr5:177,211,963, G>C. VCF-style: chr5-177211963-G-C. GRCh37 (hg19) VCF-style: chr5-176638964-G-C.
Other names: c.2691G>C, p.Arg897Ser (NM_001365684.2, NM_001409306.1, NM_001409307.1 and 3 more transcripts); c.3564G>C, p.Arg1188Ser (NM_001409301.1, NM_001409302.1, NM_001409303.1); c.3144G>C, p.Arg1048Ser (NM_001409304.1); c.2811G>C, p.Arg937Ser (NM_001409305.1); short protein forms R1188S, R919S, R937S, R1048S, R897S.
Identifiers: ClinVar variation 159310 (VCV000159310.31), dbSNP rs199814669, ClinGen allele CA172807.